The following continues an entry in ClinVar:

NM_007294.4(BRCA1):c.5444G>A (p.Trp1815Ter)

Gene: BRCA1. ClinVar aggregate classification (germline): Pathogenic. Pathogenic (1).

Submissions 9 to 27 of 36:

Molecular Pathology, Peter Maccallum Cancer Centre
Classification: Pathogenic for Breast-ovarian cancer, familial, susceptibility to, 1. Last evaluated: 2024-11-11. Review status: criteria provided, single submitter. Criteria: ACMG Guidelines, 2015. Collection method: clinical testing. Allele origin: germline. Inheritance: Autosomal dominant inheritance. Not counted in ClinVar's aggregate classification.

Ambry Genetics
Classification: Pathogenic for Hereditary cancer-predisposing syndrome. Last evaluated: 2024-05-06. Review status: criteria provided, single submitter. Criteria: Ambry Variant Classification Scheme 2023. Collection method: clinical testing. Allele origin: germline. Not counted in ClinVar's aggregate classification.
Comment: The p.W1815* pathogenic mutation (also known as c.5444G>A), located in coding exon 21 of the BRCA1 gene, results from a G to A substitution at nucleotide position 5444. This changes the amino acid from a tryptophan to a stop codon within coding exon 21. This mutation has been detected in multiple breast and/or ovarian cancer patients and has been observed to segregate with disease in affected families (Montagna M et al. Cancer Res., 1996 Dec;56:5466-9; Kang HC et al. Hum. Mutat., 2002 Sep;20:235; Seo JH et al. Hum. Mutat., 2004 Oct;24:350; Oktay K et al. J Clin Oncol, 2010 Jan;28:240-4; Borg A et al. Hum Mutat, 2010 Mar;31:E1200-40; Jalkh N et al. Hered Cancer Clin Pract, 2012 Jun;10:7; Kim H et al. Breast Cancer Res Treat, 2012 Aug;134:1315-26; Safra T et al. Ann Oncol, 2013 Nov;24 Suppl 8:viii63-viii68; Silva FC et al. BMC Med Genet, 2014 May;15:55; Fernandes GC et al. Oncotarget, 2016 Dec;7:80465-80481; Kechin AA et al. Bull Exp Biol Med, 2018 May;165:94-100; Matsuo K et al. Gynecol Oncol Rep, 2018 Aug;25:98-101; Bernstein-Molho R et al. Breast Cancer Res Treat, 2019 Nov;178:231-237; Akcay IM et al. Int J Cancer, 2021 Jan;148:285-295; Moradian MM et al. Hum Genome Var, 2021 Feb;8:9). This mutation was also detected in at least one patient with pancreatic cancer (Yurgelun MB et al. Genet Med, 2019 01;21:213-223). Of note, this alteration is also designated as 5563G>A in published literature. In addition to the clinical data presented in the literature, this alteration is expected to result in loss of function by premature protein truncation. As such, this alteration is interpreted as a disease-causing mutation

All of Us Research Program, National Institutes of Health
Classification: Pathogenic for Breast-ovarian cancer, familial, susceptibility to, 1. Last evaluated: 2023-12-13. Review status: criteria provided, single submitter. Criteria: ACMG Guidelines, 2015. Collection method: clinical testing. Allele origin: germline. Inheritance: Autosomal dominant inheritance. Observed: 2 variant alleles, 2 heterozygotes. Not counted in ClinVar's aggregate classification.
Comment: This variant changes 1 nucleotide in exon 22 of the BRCA1 gene, creating a premature translation stop signal. This variant is expected to result in an absent or non-functional protein product. A functional study has reported that this variant impacts BRCA1 function in a haploid cell proliferation assay (PMID: 30209399). This variant has been reported in at least 10 individuals affected with breast and ovarian cancer (PMID: 8968102, 20104584, 22798144, 29998185, 31368036, 32658311, 33558524) and pancreatic cancer (PMID: 29961768). This variant has not been identified in the general population by the Genome Aggregation Database (gnomAD). Loss of BRCA1 function is a known mechanism of disease. Based on the available evidence, this variant is classified as Pathogenic.

This study involves interpretation of variants in research participants for the purpose of population health screening. Participant phenotype was not available at the time of variant classification. Additional details can be found in publication PMID: 35346344, PMCID: PMC8962531

Color Diagnostics, LLC DBA Color Health
Classification: Pathogenic for Hereditary cancer-predisposing syndrome. Last evaluated: 2023-11-28. Review status: criteria provided, single submitter. Criteria: ACMG Guidelines, 2015. Collection method: clinical testing. Allele origin: germline. Not counted in ClinVar's aggregate classification.
Comment: This variant changes 1 nucleotide in exon 22 of the BRCA1 gene, creating a premature translation stop signal. This variant is expected to result in an absent or non-functional protein product. A functional study has reported that this variant impacts BRCA1 function in a haploid cell proliferation assay (PMID: 30209399). This variant has been reported in at least 10 individuals affected with breast and ovarian cancer (PMID: 8968102, 20104584, 22798144, 29998185, 31368036, 32658311, 33558524) and pancreatic cancer (PMID: 29961768). This variant has not been identified in the general population by the Genome Aggregation Database (gnomAD). Loss of BRCA1 function is a known mechanism of disease. Based on the available evidence, this variant is classified as Pathogenic.

Baylor Genetics
Classification: Pathogenic for Breast-ovarian cancer, familial, susceptibility to, 1. Last evaluated: 2023-06-26. Review status: criteria provided, single submitter. Criteria: ACMG Guidelines, 2015. Collection method: clinical testing. Allele origin: unknown. Not counted in ClinVar's aggregate classification.

Revvity Omics, Revvity
Classification: Pathogenic. Last evaluated: 2022-11-21. Review status: criteria provided, single submitter. Criteria: ACMG Guidelines, 2015. Collection method: clinical testing. Allele origin: germline. Not counted in ClinVar's aggregate classification.

Institute of Medical Genetics and Applied Genomics, University Hospital Tübingen
Classification: Pathogenic. Last evaluated: 2020-10-23. Review status: criteria provided, single submitter. Criteria: ACMG Guidelines, 2015. Collection method: clinical testing. Allele origin: germline. Inheritance: Unknown mechanism. Affected: yes. Not counted in ClinVar's aggregate classification.

CHEO Genetics Diagnostic Laboratory, Children's Hospital of Eastern Ontario
Classification: Pathogenic for Breast and/or ovarian cancer. Last evaluated: 2020-01-21. Review status: criteria provided, single submitter. Criteria: ACMG Guidelines, 2015. Collection method: clinical testing. Allele origin: germline. Not counted in ClinVar's aggregate classification.

GeneKor MSA
Classification: Pathogenic for Hereditary cancer-predisposing syndrome. Last evaluated: 2020-01-01. Review status: criteria provided, single submitter. Criteria: ACMG Guidelines, 2015. Collection method: clinical testing. Allele origin: germline. Affected: no. Not counted in ClinVar's aggregate classification.
Comment: This sequence change creates a premature translational stop signal at codon 1815 of the BRCA1 protein. It is expected to result in loss of a portion of the C-terminal BRCT-C functional domain (PMID: 8968102). Truncating variants in BRCA1 gene are known to be pathogenic. This particular variant has been described in the literature in multiple individuals and families affected with hereditary breast and/or ovarian cancer, segregating with disease in a family (PMID: 8968102, 26187060, 20104584). The mutation database ClinVar contains entries for this variant (Variation ID: 55580).

Fulgent Genetics
Classification: Pathogenic for Familial cancer of breast; Breast-ovarian cancer, familial, susceptibility to, 1; Pancreatic cancer, susceptibility to, 4; Fanconi anemia, complementation group S. Last evaluated: 2018-10-31. Review status: criteria provided, single submitter. Criteria: ACMG Guidelines, 2015. Collection method: clinical testing. Allele origin: unknown. Not counted in ClinVar's aggregate classification.

Mendelics
Classification: Pathogenic for Hereditary breast and ovarian cancer syndrome. Last evaluated: 2018-07-02. Review status: criteria provided, single submitter. Criteria: Mendelics Assertion Criteria 2017. Collection method: clinical testing. Allele origin: unknown. Not counted in ClinVar's aggregate classification.

Molecular Genetics Laboratory, University of Michigan
Classification: Pathogenic for Breast-ovarian cancer, familial, susceptibility to, 1. Last evaluated: 2016-04-21. Review status: criteria provided, single submitter. Criteria: ACMG Guidelines, 2015. Collection method: clinical testing. Allele origin: germline. Affected: yes. Not counted in ClinVar's aggregate classification.

Women's Health and Genetics/Laboratory Corporation of America, LabCorp
Classification: Pathogenic for Hereditary breast ovarian cancer syndrome. Last evaluated: 2016-03-21. Review status: criteria provided, single submitter. Criteria: LabCorp Variant Classification Summary - May 2015. Collection method: clinical testing. Allele origin: germline. Not counted in ClinVar's aggregate classification.

Consortium of Investigators of Modifiers of BRCA1/2 (CIMBA), c/o University of Cambridge
Classification: Pathogenic for Breast-ovarian cancer, familial, susceptibility to, 1. Last evaluated: 2015-10-02. Review status: criteria provided, single submitter. Criteria: CIMBA Mutation Classification guidelines May 2016. Collection method: clinical testing. Allele origin: germline. Not counted in ClinVar's aggregate classification.

Clinical Genetics and Genomics, Karolinska University Hospital
Classification: Pathogenic. Last evaluated: 2014-10-30. Review status: criteria provided, single submitter. Criteria: ACMG Guidelines, 2015. Collection method: clinical testing. Allele origin: germline. Affected: yes. Observed: 16 variant alleles. Not counted in ClinVar's aggregate classification.

Clinical and Functional Genomics Group, A.C.Camargo Cancer Center
Classification: Pathogenic for Breast Cancer. Review status: criteria provided, single submitter. Criteria: Silva et al. (BMC Med Genet. 2014). Collection method: research. Allele origin: germline. Affected: yes. Not counted in ClinVar's aggregate classification.

Genesis Genomics
Classification: Pathogenic for Breast-ovarian cancer, familial, susceptibility to, 1. Review status: criteria provided, single submitter. Criteria: ACMG Guidelines, 2015. Collection method: clinical testing. Allele origin: germline. Affected: yes. Observed: 1 variant allele. Not counted in ClinVar's aggregate classification.

BRCAlab, Lund University
Classification: Pathogenic for Breast-ovarian cancer, familial, susceptibility to, 1. Last evaluated: 2022-08-26. Review status: no assertion criteria provided. Collection method: clinical testing. Allele origin: germline. Affected: yes. Not counted in ClinVar's aggregate classification.

Medical Genetics Laboratory, Umraniye Training and Research Hospital, University of Health Sciences
Classification: Pathogenic for Breast carcinoma. Last evaluated: 2021-08-08. Review status: no assertion criteria provided. Collection method: clinical testing. Allele origin: germline. Inheritance: Autosomal dominant inheritance. Affected: yes. Observed: 1 variant allele, 1 heterozygote. Not counted in ClinVar's aggregate classification.